The following is an entry in ClinVar:

ClinVar aggregate classification (germline): Uncertain significance. Review status: criteria provided, multiple submitters, no conflicts (2 of 4 stars). 2 submissions from 2 submitters: Uncertain significance (2). Last evaluated 2026-01-30.

Conditions:
Hyperkalemic periodic paralysis. Also called: Familial hyperkalemic periodic paralysis; Gamstorp disease. Identifiers: Orphanet 682, MedGen C0238357, MONDO:0008224, OMIM 170500, HP:0007215.

Submissions (2):

Dasa
Classification: Uncertain significance. Last evaluated: 2026-01-30. Review status: criteria provided, single submitter. Criteria: DASA Assertion Criteria. Collection method: clinical testing. Allele origin: germline.
Comment: NM_000334.4(SCN4A):c.1701C>G (p.Phe567Leu) is a missense variant that results in the substitution of phenylalanine with leucine. This variant is rare in population databases. The currently available literature and clinical evidence are not sufficient to establish a definitive association between this variant and the reported condition. Therefore, this variant is classified as a variant of uncertain significance.

Labcorp Genetics (formerly Invitae), Labcorp
Classification: Uncertain significance for Hyperkalemic periodic paralysis. Last evaluated: 2022-07-28. Review status: criteria provided, single submitter. Criteria: Invitae Variant Classification Sherloc (09022015). Collection method: clinical testing. Allele origin: germline.
Comment: This sequence change replaces phenylalanine, which is neutral and non-polar, with leucine, which is neutral and non-polar, at codon 567 of the SCN4A protein (p.Phe567Leu). This variant is not present in population databases (gnomAD no frequency). This variant has not been reported in the literature in individuals affected with SCN4A-related conditions. ClinVar contains an entry for this variant (Variation ID: 863998). Algorithms developed to predict the effect of missense changes on protein structure and function output the following: SIFT: "Tolerated"; PolyPhen-2: "Benign"; Align-GVGD: "Class C0". The leucine amino acid residue is found in multiple mammalian species, which suggests that this missense change does not adversely affect protein function. In summary, the available evidence is currently insufficient to determine the role of this variant in disease. Therefore, it has been classified as a Variant of Uncertain Significance.

NM_000334.4(SCN4A):c.1701C>G (p.Phe567Leu)

Gene: SCN4A (sodium voltage-gated channel alpha subunit 4; minus strand). Cytogenetic location: 17q23.3.
Variant type: single nucleotide variant.
Coding change: c.1701C>G on transcript NM_000334.4 (MANE Select); coding-DNA position 1701, C replaced by G.
Protein change: p.Phe567Leu; replaces phenylalanine 567 with leucine.
Molecular consequence: missense variant.
Genome position (GRCh38, 1-based): chr17:63,961,337, G>C on the plus strand (C>G on the coding strand, the complement: SCN4A is on the minus strand). VCF-style: chr17-63961337-G-C. GRCh37 (hg19) VCF-style: chr17-62038697-G-C.
Other names: short protein forms F567L.
Identifiers: ClinVar variation 863998 (VCV000863998.12), dbSNP rs1909246959, ClinGen allele CA400633530.